The following is an entry in ClinVar:

NM_000069.3(CACNA1S):c.1004+3A>G

Gene: CACNA1S (calcium voltage-gated channel subunit alpha1 S; minus strand). Cytogenetic location: 1q32.1.
Variant type: single nucleotide variant.
Coding change: c.1004+3A>G on transcript NM_000069.3 (MANE Select); 3 bases into the intron after coding-DNA position 1004, A replaced by G.
Molecular consequence: intron variant.
Genome position (GRCh38, 1-based): chr1:201,087,823, T>C on the plus strand (A>G on the coding strand, the complement: CACNA1S is on the minus strand). VCF-style: chr1-201087823-T-C. GRCh37 (hg19) VCF-style: chr1-201056951-T-C.
Identifiers: ClinVar variation 3069589 (VCV003069589.1), dbSNP rs1662087719, ClinGen allele CA1219589482.

ClinVar aggregate classification (germline): Uncertain significance (1 of 4 stars; one submission).

Conditions:
Malignant hyperthermia, susceptibility to, 5 (MHS5). Also called: CACNA1S-Related Malignant Hyperthermia Susceptibility. Identifiers: Orphanet 423, MedGen C1866077, MONDO:0011163, OMIM 601887.

Allele frequency attached by ClinVar (database versions not stated): gnomAD exomes 0.00001.
gnomAD v4.1: 10 of 1,600,802 alleles (0.00062%); highest among the groups gnomAD compares: East Asian, 0.022%; 1 homozygote.

Submission:

All of Us Research Program, National Institutes of Health
Classification: Uncertain significance for Malignant hyperthermia, susceptibility to, 5. Last evaluated: 2023-02-24. Review status: criteria provided, single submitter. Criteria: ACMG Guidelines, 2015. Collection method: clinical testing. Allele origin: germline. Inheritance: Autosomal dominant inheritance. Observed: 1 variant allele, 1 heterozygote.
Comment: This variant causes an A to G nucleotide substitution at the +3 position of intron 7 of the CACNA1S gene. To our knowledge, functional studies have not been reported for this variant. This variant has not been reported in individuals affected with CACNA1S-related disorders in the literature. This variant has not been identified in the general population by the Genome Aggregation Database (gnomAD). The available evidence is insufficient to determine the role of this variant in disease conclusively. Therefore, this variant is classified as a Variant of Uncertain Significance.

This study involves interpretation of variants in research participants for the purpose of population health screening. Participant phenotype was not available at the time of variant classification. Additional details can be found in publication PMID: 35346344, PMCID: PMC8962531